The following is an entry in ClinVar:

ClinVar aggregate classification (germline): Uncertain significance (1 of 4 stars; one submission).

Allele frequency attached by ClinVar (database versions not stated): TOPMed below 0.00001.

Submission:

Ambry Genetics
Classification: Uncertain significance. Last evaluated: 2022-12-22. Review status: criteria provided, single submitter. Criteria: Ambry Variant Classification Scheme 2023. Collection method: clinical testing. Allele origin: germline.
Comment: The p.G1008R variant (also known as c.3022G>A), located in coding exon 16 of the POLQ gene, results from a G to A substitution at nucleotide position 3022. The glycine at codon 1008 is replaced by arginine, an amino acid with dissimilar properties. This amino acid position is conserved. In addition, this alteration is predicted to be tolerated by in silico analysis. Since supporting evidence is limited at this time, the clinical significance of this alteration remains unclear.

NM_199420.4(POLQ):c.3022G>A (p.Gly1008Arg)

Gene: POLQ (DNA polymerase theta; minus strand). Cytogenetic location: 3q13.33.
Variant type: single nucleotide variant.
Coding change: c.3022G>A on transcript NM_199420.4 (MANE Select); coding-DNA position 3022, G replaced by A.
Protein change: p.Gly1008Arg; replaces glycine 1008 with arginine.
Molecular consequence: missense variant.
Genome position (GRCh38, 1-based): chr3:121,489,909, C>T on the plus strand (G>A on the coding strand, the complement: POLQ is on the minus strand). VCF-style: chr3-121489909-C-T. GRCh37 (hg19) VCF-style: chr3-121208756-C-T.
Other names: short protein forms G1008R.
Identifiers: ClinVar variation 2449064 (VCV002449064.2), dbSNP rs2048051686, ClinGen allele CA354103406.